The following is an entry in ClinVar:

NM_004589.4(SCO1):c.*270T>A

Gene: SCO1 (synthesis of cytochrome C oxidase 1; minus strand). Cytogenetic location: 17p13.1.
Variant type: single nucleotide variant.
Coding change: c.*270T>A on transcript NM_004589.4 (MANE Select); 270 bases downstream of the stop codon, T replaced by A.
Molecular consequence: 3 prime UTR variant.
Genome position (GRCh38, 1-based): chr17:10,680,849, A>T on the plus strand (T>A on the coding strand, the complement: SCO1 is on the minus strand). VCF-style: chr17-10680849-A-T. GRCh37 (hg19) VCF-style: chr17-10584166-A-T.
Identifiers: ClinVar variation 890068 (VCV000890068.4), dbSNP rs76465133, ClinGen allele CA287779248.

ClinVar aggregate classification (germline): Likely benign (1 of 4 stars; one submission).

Conditions:
Leigh syndrome (NULS). Also called: Leigh's syndrome; Leigh Disease; Subacute necrotizing encephalopathy; Necrotizing encephalopathy infantile subacute of Leigh; LEIGH SYNDROME, NUCLEAR; Leigh's necrotizing encephalopathy. Identifiers: Orphanet 506, MedGen C2931891, MONDO:0009723, OMIM 256000.

Allele frequency attached by ClinVar (database versions not stated): TOPMed 0.00148; gnomAD exomes 0.00473; 1000 Genomes Project 0.00938; 1000 Genomes Project 30x 0.00984.
gnomAD v4.1: 1,943 of 510,036 alleles (0.38%); highest among the groups gnomAD compares: East Asian, 2.7%; 41 homozygotes.

Submission:

Illumina Laboratory Services, Illumina
Classification: Likely benign for Leigh syndrome. Last evaluated: 2018-01-13. Review status: criteria provided, single submitter. Criteria: ICSL Variant Classification Criteria 13 December 2019. Collection method: clinical testing. Allele origin: germline.
Comment: This variant was observed in the ICSL laboratory as part of a predisposition screen in an ostensibly healthy population. It had not been previously curated by ICSL or reported in the Human Gene Mutation Database (HGMD: prior to June 1st, 2018), and was therefore a candidate for classification through an automated scoring system. Utilizing variant allele frequency, disease prevalence and penetrance estimates, and inheritance mode, an automated score was calculated to assess if this variant is too frequent to cause the disease. Based on the score and internal cut-off values, a variant classified as likely benign is not then subjected to further curation. The score for this variant resulted in a classification of likely benign for this disease.